The following is an entry in ClinVar:

NM_212482.4(FN1):c.5449A>G (p.Thr1817Ala)

Gene: FN1 (fibronectin 1; minus strand). Cytogenetic location: 2q35.
Variant type: single nucleotide variant.
Coding change: c.5449A>G on transcript NM_212482.4 (MANE Select); coding-DNA position 5449, A replaced by G.
Protein change: p.Thr1817Ala; replaces threonine 1817 with alanine.
Molecular consequence: missense variant.
Genome position (GRCh38, 1-based): chr2:215,379,303, T>C on the plus strand (A>G on the coding strand, the complement: FN1 is on the minus strand). VCF-style: chr2-215379303-T-C. GRCh37 (hg19) VCF-style: chr2-216244026-T-C.
Other names: c.5449A>G, p.Thr1817Ala (NM_001306129.2); c.5179A>G, p.Thr1727Ala (NM_001306130.2, NM_001365517.2, NM_001365519.2 and 2 more transcripts); c.4906A>G, p.Thr1636Ala (NM_001306131.2, NM_001306132.2, NM_001365523.2 and 2 more transcripts); c.5176A>G, p.Thr1726Ala (NM_001365518.2, NM_001365520.2, NM_001365524.2 and 2 more transcripts); short protein forms T1636A, T1726A, T1817A, T1727A.
Identifiers: ClinVar variation 2780777 (VCV002780777.4), dbSNP rs781500086, ClinGen allele CA2094138.

ClinVar aggregate classification (germline): Uncertain significance. Review status: criteria provided, multiple submitters, no conflicts (2 of 4 stars). 2 submissions from 2 submitters: Uncertain significance (2). Last evaluated 2024-03-20.

Conditions:
Glomerulopathy with fibronectin deposits 2 (GFND2). Identifiers: Orphanet 84090, MedGen C1866075, MONDO:0011165, OMIM 601894.
Spondylometaphyseal dysplasia - Sutcliffe type. Also called: Sutcliffe type of spondylometaphyseal dysplasia; Sutcliffe SMD; Spondylometaphyseal Dysplasia, Corner Fracture Type; Spondylometaphyseal dysplasia, 'corner fracture' type. Identifiers: Orphanet 93315, MedGen C0432221, MONDO:0008479, OMIM 184255.

Allele frequency attached by ClinVar (database versions not stated): TOPMed below 0.00001; gnomAD 0.00001.
gnomAD v4.1: 5 of 1,613,880 alleles (0.00031%); highest among the groups gnomAD compares: Admixed American, 0.0067%; no homozygotes.

Submissions (2):

Fulgent Genetics
Classification: Uncertain significance for Spondylometaphyseal dysplasia - Sutcliffe type; Glomerulopathy with fibronectin deposits 2. Last evaluated: 2024-03-20. Review status: criteria provided, single submitter. Criteria: ACMG Guidelines, 2015. Collection method: clinical testing. Allele origin: germline.

Labcorp Genetics (formerly Invitae), Labcorp
Classification: Uncertain significance. Last evaluated: 2022-12-18. Review status: criteria provided, single submitter. Criteria: Invitae Variant Classification Sherloc (09022015). Collection method: clinical testing. Allele origin: germline.
Comment: This sequence change replaces threonine, which is neutral and polar, with alanine, which is neutral and non-polar, at codon 1817 of the FN1 protein (p.Thr1817Ala). This variant is present in population databases (rs781500086, gnomAD 0.009%). This variant has not been reported in the literature in individuals affected with FN1-related conditions. Algorithms developed to predict the effect of missense changes on protein structure and function output the following: SIFT: "Not Available"; PolyPhen-2: "Benign"; Align-GVGD: "Not Available". The alanine amino acid residue is found in multiple mammalian species, which suggests that this missense change does not adversely affect protein function. In summary, the available evidence is currently insufficient to determine the role of this variant in disease. Therefore, it has been classified as a Variant of Uncertain Significance.